The following is an entry in ClinVar:

NM_201253.3(CRB1):c.3221T>C (p.Leu1074Ser)

Gene: CRB1 (crumbs cell polarity complex component 1; plus strand). Cytogenetic location: 1q31.3.
Variant type: single nucleotide variant.
Coding change: c.3221T>C on transcript NM_201253.3 (MANE Select); coding-DNA position 3221, T replaced by C.
Protein change: p.Leu1074Ser; replaces leucine 1074 with serine.
Molecular consequence: missense variant. On other transcripts: non-coding transcript variant (2), intron variant (1).
Genome position (GRCh38, 1-based): chr1:197,435,084, T>C. VCF-style: chr1-197435084-T-C. GRCh37 (hg19) VCF-style: chr1-197404214-T-C.
Other names: c.2885T>C, p.Leu962Ser (NM_001193640.2); c.3149T>C, p.Leu1050Ser (NM_001257965.2); c.2129-516T>C (NM_001257966.2); c.3221T>C (NM_201253.2); short protein forms L1050S, L1074S, L962S.
Identifiers: ClinVar variation 1319944 (VCV001319944.12), dbSNP rs751303205, ClinGen allele CA1312295.

ClinVar aggregate classification (germline): Pathogenic/Likely pathogenic. Review status: criteria provided, multiple submitters, no conflicts (2 of 4 stars). 4 submissions from 4 submitters: Pathogenic (2); Likely pathogenic (1). 1 of the submissions does not count toward it. Last evaluated 2025-02-28.

Conditions:
Pigmented paravenous retinochoroidal atrophy. Identifiers: Orphanet 251295, MedGen C1868310, MONDO:0008246, OMIM 172870.
CRB1-related disorder. Also called: CRB1-related condition; CRB1-related disorders.
Leber congenital amaurosis (LCA). Also called: Leber's amaurosis. Identifiers: Orphanet 65, MedGen C0339527, MeSH D057130, MONDO:0018998.
Leber congenital amaurosis 8 (LCA8). Identifiers: Orphanet 65, MedGen C3151202, MONDO:0013453, OMIM 613835.
Retinitis pigmentosa 12 (RP12). Also called: RP WITH OR WITHOUT PRESERVED PARAARTERIOLE RETINAL PIGMENT EPITHELIUM; RETINITIS PIGMENTOSA WITH OR WITHOUT PARAARTERIOLAR PRESERVATION OF RETINAL PIGMENT EPITHELIUM; RP WITH OR WITHOUT PPRPE. Identifiers: Orphanet 791, MedGen C1838647, MONDO:0010818, OMIM 600105.

Allele frequency attached by ClinVar (database versions not stated): ExAC 0.00001; gnomAD exomes 0.00001.
gnomAD v4.1: 3 of 1,613,926 alleles (0.00019%); highest among the groups gnomAD compares: Non-Finnish European, 0.00025%; no homozygotes.

Submissions (4):

Natera, Inc.
Classification: Likely pathogenic for Leber congenital amaurosis. Last evaluated: 2025-02-28. Review status: criteria provided, single submitter. Criteria: Natera Variant Classification Schema (03/2026). Collection method: clinical testing. Allele origin: germline.
Comment: The c.3221T>C variant in CRB1 is a missense variant predicted to cause substitution of leucine to serine at amino acid 1074. This variant is rare in the general population with a frequency below the threshold expected for the associated phenotype(s). This variant has been observed in one or more individuals affected with the associated recessive disease, as either homozygous or compound heterozygous with a second variant (PMID: 22219627, 33342761, 21757580, 28559085). Additionally, this variant has been observed to segregate in affected family members (PMID: 22219627). Computational prediction algorithms indicate this variant is likely to affect gene or protein function. Given the available evidence, this variant is classified as Likely Pathogenic.

Blueprint Genetics
Classification: Pathogenic for CRB1-related disorders. Last evaluated: 2024-04-10. Review status: criteria provided, single submitter. Criteria: ACMG Guidelines, 2015. Collection method: clinical testing. Allele origin: germline. Affected: yes. Observed: 2 variant alleles.

Labcorp Genetics (formerly Invitae), Labcorp
Classification: Pathogenic for Leber congenital amaurosis 8; Retinitis pigmentosa 12. Last evaluated: 2024-03-18. Review status: criteria provided, single submitter. Criteria: Invitae Variant Classification Sherloc (09022015). Collection method: clinical testing. Allele origin: germline.
Comment: This sequence change replaces leucine, which is neutral and non-polar, with serine, which is neutral and polar, at codon 1074 of the CRB1 protein (p.Leu1074Ser). This variant is present in population databases (rs751303205, gnomAD 0.01%). This missense change has been observed in individual(s) with Leber congenital amaurosis (PMID: 22219627, 28559085; Invitae). In at least one individual the data is consistent with being in trans (on the opposite chromosome) from a pathogenic variant. It has also been observed to segregate with disease in related individuals. ClinVar contains an entry for this variant (Variation ID: 1319944). Advanced modeling of protein sequence and biophysical properties (such as structural, functional, and spatial information, amino acid conservation, physicochemical variation, residue mobility, and thermodynamic stability) performed at Invitae indicates that this missense variant is expected to disrupt CRB1 protein function with a positive predictive value of 80%. For these reasons, this variant has been classified as Pathogenic.

Clinical Genetics Laboratory, University Hospital Schleswig-Holstein
Classification: Uncertain significance for Pigmented paravenous retinochoroidal atrophy. Last evaluated: 2021-08-18. Review status: no assertion criteria provided. Collection method: clinical testing. Allele origin: germline. Affected: yes. Not counted in ClinVar's aggregate classification.

Literature cited by the submitters: PubMed 22219627 (cited by Natera, Inc. and Labcorp Genetics (formerly Invitae), Labcorp); PubMed 33342761 (cited by Natera, Inc.); PubMed 21757580 (cited by Natera, Inc.); PubMed 28559085 (cited by Natera, Inc. and Labcorp Genetics (formerly Invitae), Labcorp).